The following is an entry in ClinVar:

NM_006947.4(SRP72):c.1089A>G (p.Glu363=)

Gene: SRP72 (signal recognition particle 72; plus strand). Cytogenetic location: 4q12.
Variant type: single nucleotide variant.
Coding change: c.1089A>G on transcript NM_006947.4 (MANE Select); coding-DNA position 1089, A replaced by G.
Protein change: p.Glu363=; no amino-acid change (glutamic acid 363 retained).
Molecular consequence: synonymous variant. On other transcripts: non-coding transcript variant (1).
Genome position (GRCh38, 1-based): chr4:56,486,327, A>G. VCF-style: chr4-56486327-A-G. GRCh37 (hg19) VCF-style: chr4-57352493-A-G.
Other names: c.906A>G, p.Glu302= (NM_001267722.2).
Identifiers: ClinVar variation 2503328 (VCV002503328.5), dbSNP rs1037303884, ClinGen allele CA97603926.
Genomic context (GRCh38, chr4:56,486,327, plus strand): 5'-ATACAATTAGTTGTGTAAATTAAATGTGATTTTTTTCCCCCAAACTAAAAAAATTTAGGA[A>G]TTTTCAGATCAGCATCCAGAAAATGCAGCTGAAATTAAGCTGACCATGGCACAGTTGAAA-3'
Protein context (NP_008878.3, residues 353-373): QHTKAIELLQ[Glu363=]FSDQHPENAA

ClinVar aggregate classification (germline): Conflicting classifications of pathogenicity. Review status: criteria provided, conflicting classifications (1 of 4 stars). 3 submissions from 3 submitters: Uncertain significance (1); Likely benign (2). Last evaluated 2025-04-02.

Allele frequency attached by ClinVar (database versions not stated): gnomAD exomes below 0.00001; gnomAD 0.00001; TOPMed 0.00001.
gnomAD v4.1: 3 of 1,601,006 alleles (0.00019%); highest among the groups gnomAD compares: Admixed American, 0.0017%; no homozygotes.

Submissions (3):

Ambry Genetics
Classification: Likely benign. Last evaluated: 2025-04-02. Review status: criteria provided, single submitter. Criteria: Ambry Variant Classification Scheme 2023. Collection method: clinical testing. Allele origin: germline.

Labcorp Genetics (formerly Invitae), Labcorp
Classification: Likely benign. Last evaluated: 2024-04-02. Review status: criteria provided, single submitter. Criteria: Invitae Variant Classification Sherloc (09022015). Collection method: clinical testing. Allele origin: germline.

GeneDx
Classification: Uncertain significance. Last evaluated: 2022-11-23. Review status: criteria provided, single submitter. Criteria: GeneDx Variant Classification Process June 2021. Collection method: clinical testing. Allele origin: germline. Affected: yes.
Comment: Not observed at significant frequency in large population cohorts (gnomAD); In silico analysis supports that this variant does not alter splicing; Has not been previously published as pathogenic or benign to our knowledge